The following is an entry in ClinVar:

ClinVar aggregate classification (germline): Uncertain significance (1 of 4 stars; one submission).

Conditions:
Joubert syndrome 23 (JBTS23). Identifiers: Orphanet 475, MedGen C4084822, MONDO:0014664, OMIM 616490.
Short-rib thoracic dysplasia 14 with polydactyly (SRTD14). Identifiers: Orphanet 397715, MedGen C4225286, MONDO:0014688, OMIM 616546.

Allele frequency attached by ClinVar (database versions not stated): gnomAD exomes below 0.00001; ExAC 0.00001.
gnomAD v4.1: 1 of 1,539,772 alleles (0.000065%); highest among the groups gnomAD compares: Middle Eastern, 0.017%; no homozygotes.

Submission:

Labcorp Genetics (formerly Invitae), Labcorp
Classification: Uncertain significance for Joubert syndrome 23; Short-rib thoracic dysplasia 14 with polydactyly. Last evaluated: 2022-11-01. Review status: criteria provided, single submitter. Criteria: Invitae Variant Classification Sherloc (09022015). Collection method: clinical testing. Allele origin: germline.
Comment: In summary, the available evidence is currently insufficient to determine the role of this variant in disease. Therefore, it has been classified as a Variant of Uncertain Significance. Advanced modeling of protein sequence and biophysical properties (such as structural, functional, and spatial information, amino acid conservation, physicochemical variation, residue mobility, and thermodynamic stability) performed at Invitae indicates that this missense variant is not expected to disrupt KIAA0586 protein function. ClinVar contains an entry for this variant (Variation ID: 1410317). This variant has not been reported in the literature in individuals affected with KIAA0586-related conditions. This variant is present in population databases (rs778492541, gnomAD no frequency). This sequence change replaces asparagine, which is neutral and polar, with lysine, which is basic and polar, at codon 127 of the KIAA0586 protein (p.Asn127Lys).

NM_001329943.3(KIAA0586):c.345T>A (p.Asn115Lys)

Gene: KIAA0586 (KIAA0586; plus strand). Cytogenetic location: 14q23.1.
Variant type: single nucleotide variant.
Coding change: c.345T>A on transcript NM_001329943.3 (MANE Select); coding-DNA position 345, T replaced by A.
Protein change: p.Asn115Lys; replaces asparagine 115 with lysine.
Molecular consequence: missense variant.
Genome position (GRCh38, 1-based): chr14:58,432,392, T>A. VCF-style: chr14-58432392-T-A. GRCh37 (hg19) VCF-style: chr14-58899110-T-A.
Other names: c.381T>A, p.Asn127Lys (NM_001244189.2); c.300T>A, p.Asn100Lys (NM_001244190.2); c.90T>A, p.Asn30Lys (NM_001244191.2, NM_001244192.2, NM_001329945.2 and 2 more transcripts); c.345T>A, p.Asn115Lys (NM_001329944.2, NM_001329946.2, NM_001329947.2 and 1 more transcripts); short protein forms N30K, N100K, N115K, N127K.
Identifiers: ClinVar variation 1410317 (VCV001410317.4), dbSNP rs778492541, ClinGen allele CA7205351.